The following is an entry in ClinVar:

NM_003108.4(SOX11):c.1326A>C (p.Ter442Cys)

Gene: SOX11 (SRY-box transcription factor 11; plus strand). Cytogenetic location: 2p25.2.
Variant type: single nucleotide variant.
Coding change: c.1326A>C on transcript NM_003108.4 (MANE Select); coding-DNA position 1326, A replaced by C.
Protein change: p.Ter442Cys.
Molecular consequence: stop lost.
Genome position (GRCh38, 1-based): chr2:5,694,047, A>C. VCF-style: chr2-5694047-A-C. GRCh37 (hg19) VCF-style: chr2-5834179-A-C.
Identifiers: ClinVar variation 3774822 (VCV003774822.1).

ClinVar aggregate classification (germline): Uncertain significance (1 of 4 stars; one submission).

Submission:

GeneDx
Classification: Uncertain significance. Last evaluated: 2024-09-27. Review status: criteria provided, single submitter. Criteria: GeneDx Variant Classification Process June 2021. Collection method: clinical testing. Allele origin: germline. Affected: yes.
Comment: Not observed at significant frequency in large population cohorts (gnomAD); Stop codon loss and change to a cysteine codon, leading to protein extension and the addition of 75 amino acids at the C-terminus; Has not been previously published as pathogenic or benign to our knowledge